The following is an entry in ClinVar:

ClinVar aggregate classification (germline): Uncertain significance. Review status: criteria provided, multiple submitters, no conflicts (2 of 4 stars). 2 submissions from 2 submitters: Uncertain significance (2). Last evaluated 2022-01-14.

Conditions:
Hereditary cancer-predisposing syndrome. Also called: Hereditary neoplastic syndrome; Neoplastic Syndromes, Hereditary; Tumor predisposition; Hereditary Cancer Syndrome. Identifiers: Orphanet 140162, MedGen C0027672, MeSH D009386, MONDO:0015356.
Renal cell carcinoma. Identifiers: Orphanet 217071, MedGen C0007134, MeSH D002292, MONDO:0005086, HP:0005584.

Submissions (2):

Ambry Genetics
Classification: Uncertain significance for Hereditary cancer-predisposing syndrome. Last evaluated: 2022-01-14. Review status: criteria provided, single submitter. Criteria: Ambry Variant Classification Scheme 2023. Collection method: clinical testing. Allele origin: germline.
Comment: The c.1958_1960delCCT variant (also known as p.S653del) is located in coding exon 6 of the MET gene. This variant results from an in-frame CCT deletion at nucleotide positions 1958 to 1960. This results in the in-frame deletion of a serine at codon 653. This amino acid position is highly conserved in available vertebrate species. In addition, this alteration is predicted to be deleterious by in silico analysis (Choi Y et al. PLoS ONE. 2012; 7(10):e46688). Since supporting evidence is limited at this time, the clinical significance of this alteration remains unclear.

Labcorp Genetics (formerly Invitae), Labcorp
Classification: Uncertain significance for Renal cell carcinoma. Last evaluated: 2019-02-18. Review status: criteria provided, single submitter. Criteria: Invitae Variant Classification Sherloc (09022015). Collection method: clinical testing. Allele origin: germline.
Comment: In summary, the available evidence is currently insufficient to determine the role of this variant in disease. Therefore, it has been classified as a Variant of Uncertain Significance. Experimental studies and prediction algorithms are not available for this variant, and the functional significance of the affected amino acid(s) is currently unknown. This variant has not been reported in the literature in individuals with MET-related conditions. This variant is not present in population databases (ExAC no frequency). This variant, c.1958_1960del, results in the deletion of 1 amino acid(s) of the MET protein (p.Ser653del), but otherwise preserves the integrity of the reading frame.

NM_000245.4(MET):c.1958_1960del (p.Ser653del)

Gene: MET (MET proto-oncogene, receptor tyrosine kinase; plus strand). Cytogenetic location: 7q31.2.
Variant type: Deletion.
Coding change: c.1958_1960del on transcript NM_000245.4 (MANE Select); coding-DNA positions 1958 to 1960, 3 bases deleted (CCT; older notation c.1958_1960delCCT).
Protein change: p.Ser653del; deletes serine 653.
Molecular consequence: inframe deletion.
Genome position (GRCh38, 1-based): chr7:116,757,532-116,757,534, CCT deleted; deleting any 3 consecutive bases within chr7:116,757,530-116,757,534 gives the same sequence; the c. name uses the placement nearest the transcript's 3' end. VCF-style (leftmost placement, unchanged base first): chr7-116757529-TCTC-T. GRCh37 (hg19) VCF-style: chr7-116397583-TCTC-T.
Other names: c.1958_1960delCCT (NM_001127500.1); c.1958_1960del, p.Ser653del (NM_001127500.3, NM_001324401.3); c.668_670del, p.Ser223del (NM_001324402.2); short protein forms S653del, S223del.
Identifiers: ClinVar variation 834421 (VCV000834421.12), dbSNP rs1430652609, ClinGen allele CA832045741.
Genomic context (GRCh38, chr7:116,757,529, plus strand): 5'-AGCATTTCAATATGTCCATAATTATTTCAAATGGCCACGGGACAACACAATACAGTACAT[TCTC>T]CTATGTGGTAAGGAAGATTCTATCCTATCATGTTTGATTTTTACTTAATCTATTTAAATT-3'